The following is an entry in ClinVar:

ClinVar aggregate classification (germline): Uncertain significance. Review status: criteria provided, multiple submitters, no conflicts (2 of 4 stars). 3 submissions from 3 submitters: Uncertain significance (3). Last evaluated 2025-03-02.

Conditions:
Inborn genetic diseases. Identifiers: MedGen C0950123, MeSH D030342.
Fanconi anemia complementation group A (FANCA). Also called: FANCA-Related Fanconi Anemia; Fanconi anemia, group A. Identifiers: Orphanet 84, MedGen C3469521, MONDO:0009215, OMIM 227650.
Fanconi anemia (FA). Also called: Fanconi's anemia. Identifiers: Orphanet 84, MedGen C0015625, MeSH D005199, MONDO:0019391.

Allele frequency attached by ClinVar (database versions not stated): ExAC 0.00002; ESP Exome Variant Server 0.00008.
gnomAD v4.1: 16 of 1,614,160 alleles (0.00099%); highest among the groups gnomAD compares: Non-Finnish European, 0.0014%; no homozygotes.

Submissions (3):

Ambry Genetics
Classification: Uncertain significance for Inborn genetic diseases. Last evaluated: 2025-03-02. Review status: criteria provided, single submitter. Criteria: Ambry Variant Classification Scheme 2023. Collection method: clinical testing. Allele origin: germline.
Comment: The p.R1382T variant (also known as c.4145G>C), located in coding exon 41 of the FANCA gene, results from a G to C substitution at nucleotide position 4145. The arginine at codon 1382 is replaced by threonine, an amino acid with similar properties. This amino acid position is conserved. In addition, this alteration is predicted to be tolerated by in silico analysis. Based on the available evidence, the clinical significance of this variant remains unclear.

Fulgent Genetics
Classification: Uncertain significance for Fanconi anemia complementation group A. Last evaluated: 2021-09-29. Review status: criteria provided, single submitter. Criteria: ACMG Guidelines, 2015. Collection method: clinical testing. Allele origin: unknown.

Labcorp Genetics (formerly Invitae), Labcorp
Classification: Uncertain significance for Fanconi anemia. Last evaluated: 2021-08-27. Review status: criteria provided, single submitter. Criteria: Invitae Variant Classification Sherloc (09022015). Collection method: clinical testing. Allele origin: germline.
Comment: This sequence change replaces arginine with threonine at codon 1382 of the FANCA protein (p.Arg1382Thr). The arginine residue is weakly conserved and there is a moderate physicochemical difference between arginine and threonine. This variant is present in population databases (rs367970303, ExAC 0.003%). This variant has not been reported in the literature in individuals affected with FANCA-related conditions. Advanced modeling of protein sequence and biophysical properties (such as structural, functional, and spatial information, amino acid conservation, physicochemical variation, residue mobility, and thermodynamic stability) performed at Invitae indicates that this missense variant is not expected to disrupt FANCA protein function. In summary, the available evidence is currently insufficient to determine the role of this variant in disease. Therefore, it has been classified as a Variant of Uncertain Significance.

NM_000135.4(FANCA):c.4145G>C (p.Arg1382Thr)

Genes: FANCA (FA complementation group A; minus strand), ZNF276 (zinc finger protein 276; plus strand). Cytogenetic location: 16q24.3.
Variant type: single nucleotide variant.
Coding change: c.4145G>C on transcript NM_000135.4 (MANE Select); coding-DNA position 4145, G replaced by C.
Protein change: p.Arg1382Thr; replaces arginine 1382 with threonine.
Molecular consequence: missense variant. On other transcripts: 3 prime UTR variant (2), non-coding transcript variant (4).
Genome position (GRCh38, 1-based): chr16:89,739,155, C>G on the plus strand (G>C on the coding strand, the complement: FANCA is on the minus strand). VCF-style: chr16-89739155-C-G. GRCh37 (hg19) VCF-style: chr16-89805563-C-G.
Other names: c.4145G>C, p.Arg1382Thr (NM_001286167.3); c.*909C>G (NM_001113525.2, NM_152287.4); short protein forms R1382T.
Identifiers: ClinVar variation 1043138 (VCV001043138.8), dbSNP rs367970303, ClinGen allele CA8250774.